The following is an entry in ClinVar:

NM_001367624.2(ZNF469):c.6841G>A (p.Val2281Met)

Gene: ZNF469 (zinc finger protein 469; plus strand). Cytogenetic location: 16q24.2.
Variant type: single nucleotide variant.
Coding change: c.6841G>A on transcript NM_001367624.2 (MANE Select); coding-DNA position 6841, G replaced by A.
Protein change: p.Val2281Met; replaces valine 2281 with methionine.
Molecular consequence: missense variant.
Genome position (GRCh38, 1-based): chr16:88,434,311, G>A. VCF-style: chr16-88434311-G-A. GRCh37 (hg19) VCF-style: chr16-88500719-G-A.
Other names: NM_001127464.1:c.6757G>A; short protein forms V2281M.
Identifiers: ClinVar variation 423746 (VCV000423746.7), dbSNP rs986749671, ClinGen allele CA16620285.
Genomic context (GRCh38, chr16:88,434,311, plus strand): 5'-CTGTGGGAGTCTCCTGGCCGAGCCACCTCTCCTCCTCTGGCAGGGGCCGTCTCCCCCAGC[G>A]TGGCCGTCAGGGCTACTGGCCTGTCCAGCACTCCCACCGGAGATGAGGCACAGGCAGGCA-3'
Protein context (NP_001354553.1, residues 2271-2291): PPLAGAVSPS[Val2281Met]AVRATGLSST

ClinVar aggregate classification (germline): Uncertain significance. Review status: criteria provided, multiple submitters, no conflicts (2 of 4 stars). 3 submissions from 3 submitters: Uncertain significance (3). Last evaluated 2025-04-22.

Allele frequency attached by ClinVar (database versions not stated): TOPMed 0.00002; gnomAD exomes 0.00004 and 0.00003; gnomAD 0.00001.
gnomAD v4.1: 64 of 1,550,334 alleles (0.0041%); highest among the groups gnomAD compares: Middle Eastern, 0.017%; 1 homozygote.

Submissions (3):

Dasa
Classification: Uncertain significance. Last evaluated: 2025-04-22. Review status: criteria provided, single submitter. Criteria: DASA Assertion Criteria. Collection method: clinical testing. Allele origin: germline.
Comment: NM_001367624.2(ZNF469):c.6841G>A (p.Val2281Met) is a missense variant that results in the substitution of valine with methionine. This variant is rare in population databases. Computational prediction algorithms are consistent with a benign effect. The currently available literature and clinical evidence are not sufficient to establish a definitive association between this variant and the reported condition. Therefore, this variant is classified as a variant of uncertain significance.

Labcorp Genetics (formerly Invitae), Labcorp
Classification: Uncertain significance. Last evaluated: 2024-10-21. Review status: criteria provided, single submitter. Criteria: Invitae Variant Classification Sherloc (09022015). Collection method: clinical testing. Allele origin: germline.
Comment: This sequence change replaces valine, which is neutral and non-polar, with methionine, which is neutral and non-polar, at codon 2253 of the ZNF469 protein (p.Val2253Met). This variant is present in population databases (no rsID available, gnomAD 0.02%). This variant has not been reported in the literature in individuals affected with ZNF469-related conditions. ClinVar contains an entry for this variant (Variation ID: 423746). An algorithm developed to predict the effect of missense changes on protein structure and function outputs the following: PolyPhen-2: "Benign". The methionine amino acid residue is found in multiple mammalian species, which suggests that this missense change does not adversely affect protein function. In summary, the available evidence is currently insufficient to determine the role of this variant in disease. Therefore, it has been classified as a Variant of Uncertain Significance.

GeneDx
Classification: Uncertain significance. Last evaluated: 2024-05-13. Review status: criteria provided, single submitter. Criteria: GeneDx Variant Classification Process June 2021. Collection method: clinical testing. Allele origin: germline. Affected: yes.
Comment: Has not been previously published as pathogenic or benign to our knowledge; In silico analysis indicates that this missense variant does not alter protein structure/function